The following is an entry in ClinVar:

ClinVar aggregate classification (germline): Likely pathogenic (1 of 4 stars; one submission).

Submission:

GeneDx
Classification: Likely pathogenic. Last evaluated: 2026-05-29. Review status: criteria provided, single submitter. Criteria: GeneDx Variant Classification Process June 2021. Collection method: clinical testing. Allele origin: germline.
Comment: Frameshift variant predicted to result in protein truncation or nonsense mediated decay in a gene for which loss of function is a known mechanism of disease; Not observed at significant frequency in large population cohorts (gnomAD); Has not been previously published as pathogenic or benign to our knowledge

NM_017852.5(NLRP2):c.1896_1909dup (p.Val637delinsGluMetGlnTer)

Gene: NLRP2 (NLR family pyrin domain containing 2; plus strand). Cytogenetic location: 19q13.42.
Variant type: Duplication.
Coding change: c.1896_1909dup on transcript NM_017852.5 (MANE Select); coding-DNA positions 1896 to 1909, 14 bases duplicated (AAATGCAGTAGACG).
Protein change: p.Val637delinsGluMetGlnTer.
Molecular consequence: nonsense. On other transcripts: non-coding transcript variant (1).
Genome position (GRCh38, 1-based): chr19:54,983,594-54,983,607, AAATGCAGTAGACG duplicated. VCF-style (leftmost placement, unchanged base first): chr19-54983593-T-TAAATGCAGTAGACG. GRCh37 (hg19) VCF-style: chr19-55494961-T-TAAATGCAGTAGACG.
Other names: c.1896_1909dup, p.Val637delinsGluMetGlnTer (NM_001174081.3); c.1830_1843dup, p.Val615delinsGluMetGlnTer (NM_001174082.3); c.1827_1840dup, p.Val614delinsGluMetGlnTer (NM_001174083.2); c.1887_1900dup, p.Val634delinsGluMetGlnTer (NM_001348003.2).
Identifiers: ClinVar variation 3903422 (VCV003903422.2).